The following is an entry in ClinVar:

NM_006922.4(SCN3A):c.3260A>G (p.Glu1087Gly)

Gene: SCN3A (sodium voltage-gated channel alpha subunit 3; minus strand). Cytogenetic location: 2q24.3.
Variant type: single nucleotide variant.
Coding change: c.3260A>G on transcript NM_006922.4 (MANE Select); coding-DNA position 3260, A replaced by G.
Protein change: p.Glu1087Gly; replaces glutamic acid 1087 with glycine.
Molecular consequence: missense variant.
Genome position (GRCh38, 1-based): chr2:165,127,764, T>C on the plus strand (A>G on the coding strand, the complement: SCN3A is on the minus strand). VCF-style: chr2-165127764-T-C. GRCh37 (hg19) VCF-style: chr2-165984274-T-C.
Other names: c.3113A>G, p.Glu1038Gly (NM_001081676.2, NM_001081677.2); short protein forms E1038G, E1087G.
Identifiers: ClinVar variation 1046935 (VCV001046935.12), dbSNP rs1018039184, ClinGen allele CA59732172.

ClinVar aggregate classification (germline): Uncertain significance. Review status: criteria provided, multiple submitters, no conflicts (2 of 4 stars). 3 submissions from 3 submitters: Uncertain significance (3). Last evaluated 2025-11-05.

Submissions (3):

GeneDx
Classification: Uncertain significance. Last evaluated: 2025-11-05. Review status: criteria provided, single submitter. Criteria: GeneDx Variant Classification Process June 2021. Collection method: clinical testing. Allele origin: germline. Affected: yes.
Comment: Not observed at significant frequency in large population cohorts (gnomAD); In silico analysis supports that this missense variant has a deleterious effect on protein structure/function; Has not been previously published as pathogenic or benign to our knowledge

Blueprint Genetics
Classification: Uncertain significance. Last evaluated: 2022-06-20. Review status: criteria provided, single submitter. Criteria: ACMG Guidelines, 2015. Collection method: clinical testing. Allele origin: germline.

Labcorp Genetics (formerly Invitae), Labcorp
Classification: Uncertain significance. Last evaluated: 2021-10-05. Review status: criteria provided, single submitter. Criteria: Invitae Variant Classification Sherloc (09022015). Collection method: clinical testing. Allele origin: germline.
Comment: In summary, the available evidence is currently insufficient to determine the role of this variant in disease. Therefore, it has been classified as a Variant of Uncertain Significance. Algorithms developed to predict the effect of missense changes on protein structure and function are either unavailable or do not agree on the potential impact of this missense change (SIFT: "Deleterious"; PolyPhen-2: "Possibly Damaging"; Align-GVGD: "Class C0"). This variant has not been reported in the literature in individuals affected with SCN3A-related conditions. This variant is not present in population databases (ExAC no frequency). This sequence change replaces glutamic acid with glycine at codon 1087 of the SCN3A protein (p.Glu1087Gly). The glutamic acid residue is highly conserved and there is a moderate physicochemical difference between glutamic acid and glycine.